The following is an entry in ClinVar:

ClinVar aggregate classification (germline): Uncertain significance (1 of 4 stars; one submission).

Conditions:
Inborn genetic diseases. Identifiers: MedGen C0950123, MeSH D030342.

Allele frequency attached by ClinVar (database versions not stated): TOPMed 0.00001.
gnomAD v4.1: 2 of 1,612,274 alleles (0.00012%); highest among the groups gnomAD compares: African/African-American, 0.0027%; no homozygotes.

Submission:

Ambry Genetics
Classification: Uncertain significance for Inborn genetic diseases. Last evaluated: 2024-11-22. Review status: criteria provided, single submitter. Criteria: Ambry Variant Classification Scheme 2023. Collection method: clinical testing. Allele origin: germline.
Comment: The p.T832S variant (also known as c.2494A>T), located in coding exon 1 of the SAMD9L gene, results from an A to T substitution at nucleotide position 2494. The threonine at codon 832 is replaced by serine, an amino acid with similar properties. This amino acid position is conserved. In addition, this alteration is predicted to be tolerated by in silico analysis. Based on the available evidence, the clinical significance of this variant remains unclear.

NM_152703.5(SAMD9L):c.2494A>T (p.Thr832Ser)

Gene: SAMD9L (sterile alpha motif domain containing 9 like; minus strand). Cytogenetic location: 7q21.2.
Variant type: single nucleotide variant.
Coding change: c.2494A>T on transcript NM_152703.5 (MANE Select); coding-DNA position 2494, A replaced by T.
Protein change: p.Thr832Ser; replaces threonine 832 with serine.
Molecular consequence: missense variant.
Genome position (GRCh38, 1-based): chr7:93,133,478, T>A on the plus strand (A>T on the coding strand, the complement: SAMD9L is on the minus strand). VCF-style: chr7-93133478-T-A. GRCh37 (hg19) VCF-style: chr7-92762791-T-A.
Other names: c.2494A>T, p.Thr832Ser (NM_001303496.3, NM_001303497.3, NM_001303498.3 and 5 more transcripts); short protein forms T832S.
Identifiers: ClinVar variation 2294752 (VCV002294752.3), dbSNP rs751988976, ClinGen allele CA161960355.